The following is an entry in ClinVar:

NM_000426.4(LAMA2):c.557C>T (p.Thr186Ile)

Gene: LAMA2 (laminin subunit alpha 2; plus strand). Cytogenetic location: 6q22.33.
Variant type: single nucleotide variant.
Coding change: c.557C>T on transcript NM_000426.4 (MANE Select); coding-DNA position 557, C replaced by T.
Protein change: p.Thr186Ile; replaces threonine 186 with isoleucine.
Molecular consequence: missense variant.
Genome position (GRCh38, 1-based): chr6:129,098,333, C>T. VCF-style: chr6-129098333-C-T. GRCh37 (hg19) VCF-style: chr6-129419478-C-T.
Other names: c.557C>T, p.Thr186Ile (NM_001079823.2); short protein forms T186I.
Identifiers: ClinVar variation 4771884 (VCV004771884.1).

ClinVar aggregate classification (germline): Uncertain significance (1 of 4 stars; one submission).

Conditions:
LAMA2-related muscular dystrophy (LAMA2-RD). Also called: Laminin alpha 2-related dystrophy. Identifiers: MedGen C5679788, MONDO:0100228.

gnomAD v4.1: 1 of 1,614,048 alleles (0.000062%); highest among the groups gnomAD compares: Non-Finnish European, 0.000085%; no homozygotes.

Submission:

Labcorp Genetics (formerly Invitae), Labcorp
Classification: Uncertain significance for LAMA2-related muscular dystrophy. Last evaluated: 2025-07-30. Review status: criteria provided, single submitter. Criteria: Invitae Variant Classification Sherloc (09022015). Collection method: clinical testing. Allele origin: germline.
Comment: This sequence change replaces threonine, which is neutral and polar, with isoleucine, which is neutral and non-polar, at codon 186 of the LAMA2 protein (p.Thr186Ile). This variant is not present in population databases (gnomAD no frequency). This variant has not been reported in the literature in individuals affected with LAMA2-related conditions. Invitae Evidence Modeling of protein sequence and biophysical properties (such as structural, functional, and spatial information, amino acid conservation, physicochemical variation, residue mobility, and thermodynamic stability) indicates that this missense variant is not expected to disrupt LAMA2 protein function with a negative predictive value of 95%. In summary, the available evidence is currently insufficient to determine the role of this variant in disease. Therefore, it has been classified as a Variant of Uncertain Significance.